The following is an entry in ClinVar:

ClinVar aggregate classification (germline): Uncertain significance (1 of 4 stars; one submission).

Submission:

Labcorp Genetics (formerly Invitae), Labcorp
Classification: Uncertain significance. Last evaluated: 2024-05-06. Review status: criteria provided, single submitter. Criteria: Invitae Variant Classification Sherloc (09022015). Collection method: clinical testing. Allele origin: germline.
Comment: This variant occurs in a non-coding region of the JAK2 gene. It does not change the encoded amino acid sequence of the JAK2 protein. This variant is not present in population databases (gnomAD no frequency). This variant has not been reported in the literature in individuals affected with JAK2-related conditions. In summary, the available evidence is currently insufficient to determine the role of this variant in disease. Therefore, it has been classified as a Variant of Uncertain Significance.

NM_004972.4(JAK2):c.*2dup (p.Ter1133=)

Genes: INSL6 (insulin like 6; minus strand), JAK2 (Janus kinase 2; plus strand). Cytogenetic location: 9p24.1.
Variant type: Duplication.
Coding change: c.*2dup on transcript NM_004972.4 (MANE Select); 2 bases downstream of the stop codon, one base duplicated (A; older notation c.*2dupA).
Protein change: p.Ter1133=.
Molecular consequence: no sequence alteration. On other transcripts: non-coding transcript variant (2).
Genome position (GRCh38, 1-based): chr9:5,126,793, A duplicated; the last of 3 consecutive A bases (chr9:5,126,791-5,126,793); duplicating any one gives the same sequence. VCF-style (leftmost placement, unchanged base first): chr9-5126790-G-GA. GRCh37 (hg19) VCF-style: chr9-5126790-G-GA.
Other names: c.*2dup, p.Ter1133= (NM_001322194.2, NM_001322195.2, NM_001322196.2); c.*2dup, p.Ter728= (NM_001322198.2, NM_001322199.2); c.*2dup, p.Ter984= (NM_001322204.2).
Identifiers: ClinVar variation 3695969 (VCV003695969.2).